The following is an entry in ClinVar:

NM_000043.6(FAS):c.550A>G (p.Ile184Val)

Gene: FAS (Fas cell surface death receptor; plus strand). Cytogenetic location: 10q23.31.
Variant type: single nucleotide variant.
Coding change: c.550A>G on transcript NM_000043.6 (MANE Select); coding-DNA position 550, A replaced by G.
Protein change: p.Ile184Val; replaces isoleucine 184 with valine.
Molecular consequence: missense variant. On other transcripts: non-coding transcript variant (5), intron variant (1).
Genome position (GRCh38, 1-based): chr10:89,010,797, A>G. VCF-style: chr10-89010797-A-G. GRCh37 (hg19) VCF-style: chr10-90770554-A-G.
Other names: c.550A>G, p.Ile184Val (NM_001320619.2, NM_152872.4); c.505+197A>G (NM_152871.4); short protein forms I184V.
Identifiers: ClinVar variation 301530 (VCV000301530.23), dbSNP rs28362322, ClinGen allele CA5593154.

ClinVar aggregate classification (germline): Benign/Likely benign. Review status: criteria provided, multiple submitters, no conflicts (2 of 4 stars). 8 submissions from 8 submitters: Benign (3); Likely benign (5). Last evaluated 2026-07-01.

Conditions:
Autoimmune lymphoproliferative syndrome type 1. Also called: AUTOIMMUNE LYMPHOPROLIFERATIVE SYNDROME, TYPE I, AUTOSOMAL DOMINANT. Identifiers: Orphanet 3261, MedGen C2717884, MONDO:0011158, OMIM 601859.

Allele frequency attached by ClinVar (database versions not stated): gnomAD exomes 0.00029 and 0.00073; ExAC 0.00096; gnomAD 0.00303 and 0.00324; ESP Exome Variant Server 0.00338; TOPMed 0.00340; 1000 Genomes Project 0.00359; 1000 Genomes Project 30x 0.00375.
gnomAD v4.1: 903 of 1,614,078 alleles (0.056%); highest among the groups gnomAD compares: African/African-American, 1%; 4 homozygotes.

Submissions (13):

CeGaT Center for Human Genetics Tuebingen
Classification: Likely benign. Last evaluated: 2026-07-01. Review status: criteria provided, single submitter. Criteria: CeGaT Center For Human Genetics Tuebingen Variant Classification Criteria Version 2. Collection method: clinical testing. Allele origin: germline. Affected: yes. Observed: 1 variant allele.
Comment: FAS: BS1

Women's Health and Genetics/Laboratory Corporation of America, LabCorp
Classification: Likely benign. Last evaluated: 2026-01-30. Review status: criteria provided, single submitter. Criteria: LabCorp Variant Classification Summary - May 2015. Collection method: clinical testing. Allele origin: germline.
Comment: Variant summary: FAS c.550A>G (p.Ile184Val) results in a conservative amino acid change in the encoded protein sequence. Algorithms developed to predict the effect of missense changes on protein structure and function all suggest that this variant is likely to be tolerated. The variant allele was found at a frequency of 0.00073 in 251362 control chromosomes, predominantly at a frequency of 0.01 within the African or African-American subpopulation in the gnomAD database. The observed variant frequency within African or African-American control individuals in the gnomAD database exceeds the estimated maximal expected allele frequency for disease-causing variants in FAS. To our knowledge, no occurrence of c.550A>G in individuals affected with FAS-related conditions has been reported. At least one publication reports experimental evidence evaluating an impact on protein function. These results showed no damaging effect of this variant (example, Fu_2016). The following publications have been ascertained in the context of this evaluation (PMID: 22860894, 19669200, 16271851, 21858107, 26853147, 21625619). ClinVar contains an entry for this variant (Variation ID: 301530). Based on the evidence outlined above, the variant was classified as likely benign.

Labcorp Genetics (formerly Invitae), Labcorp
Classification: Benign for Autoimmune lymphoproliferative syndrome. Last evaluated: 2026-01-18. Review status: criteria provided, single submitter. Criteria: Invitae Variant Classification Sherloc (09022015). Collection method: clinical testing. Allele origin: germline.

Blueprint Genetics
Classification: Likely benign. Last evaluated: 2024-08-06. Review status: criteria provided, single submitter. Criteria: ACMG Guidelines, 2015. Collection method: clinical testing. Allele origin: germline.

Genetic Services Laboratory, University of Chicago
Classification: Benign. Last evaluated: 2020-08-03. Review status: criteria provided, single submitter. Criteria: ACMG Guidelines, 2015. Collection method: clinical testing. Allele origin: germline. Affected: no.

Illumina Laboratory Services, Illumina
Classification: Benign for Autoimmune lymphoproliferative syndrome type 1. Last evaluated: 2018-01-13. Review status: criteria provided, single submitter. Criteria: ICSL Variant Classification Criteria 13 December 2019. Collection method: clinical testing. Allele origin: germline.
Comment: This variant was observed in the ICSL laboratory as part of a predisposition screen in an ostensibly healthy population. It had not been previously curated by ICSL or reported in the Human Gene Mutation Database (HGMD: prior to June 1st, 2018), and was therefore a candidate for classification through an automated scoring system. Utilizing variant allele frequency, disease prevalence and penetrance estimates, and inheritance mode, an automated score was calculated to assess if this variant is too frequent to cause the disease. Based on the score and internal cut-off values, a variant classified as benign is not then subjected to further curation. The score for this variant resulted in a classification of benign for this disease.

GeneDx
Classification: Likely benign. Last evaluated: 2016-03-01. Review status: criteria provided, single submitter. Criteria: GeneDx Variant Classification (06012015). Collection method: clinical testing. Allele origin: germline. Affected: yes.
Comment: This variant is considered likely benign or benign based on one or more of the following criteria: it is a conservative change, it occurs at a poorly conserved position in the protein, it is predicted to be benign by multiple in silico algorithms, and/or has population frequency not consistent with disease.

Breakthrough Genomics
Classification: Likely benign. Review status: criteria provided, single submitter. Criteria: ACMG Guidelines, 2015. Collection method: not provided. Allele origin: germline. Inheritance: Autosomal dominant inheritance. Affected: yes.

Dr. Peter K. Rogan Lab, Western University
No classification provided (evidence only). Condition: Familial cancer of breast. Review status: no classification provided. Collection method: in vitro. Allele origin: not applicable. Functional consequence: retained intron. Not counted in ClinVar's aggregate classification.

Dr. Peter K. Rogan Lab, Western University
No classification provided (evidence only). Condition: Colon adenocarcinoma. Review status: no classification provided. Collection method: in vitro. Allele origin: not applicable. Functional consequence: retained intron. Not counted in ClinVar's aggregate classification.

Dr. Peter K. Rogan Lab, Western University
No classification provided (evidence only). Condition: Uterine corpus endometrial carcinoma. Review status: no classification provided. Collection method: in vitro. Allele origin: not applicable. Functional consequence: retained intron. Not counted in ClinVar's aggregate classification.

Dr. Peter K. Rogan Lab, Western University
No classification provided (evidence only). Condition: Hepatocellular carcinoma. Review status: no classification provided. Collection method: in vitro. Allele origin: not applicable. Functional consequence: retained intron. Not counted in ClinVar's aggregate classification.

Dr. Peter K. Rogan Lab, Western University
No classification provided (evidence only). Condition: Thymoma. Review status: no classification provided. Collection method: in vitro. Allele origin: not applicable. Functional consequence: retained intron. Not counted in ClinVar's aggregate classification.

Literature cited by the submitters: PubMed 16271851 (cited by Women's Health and Genetics/Laboratory Corporation of America, LabCorp); PubMed 22860894 (cited by Women's Health and Genetics/Laboratory Corporation of America, LabCorp); PubMed 19669200 (cited by Women's Health and Genetics/Laboratory Corporation of America, LabCorp); PubMed 21858107 (cited by Women's Health and Genetics/Laboratory Corporation of America, LabCorp); PubMed 21625619 (cited by Women's Health and Genetics/Laboratory Corporation of America, LabCorp); PubMed 26853147 (cited by Women's Health and Genetics/Laboratory Corporation of America, LabCorp).